The following is an entry in ClinVar:

ClinVar aggregate classification (germline): Uncertain significance (1 of 4 stars; one submission).

Conditions:
WDR7-related disorder. Also called: WDR7-related condition.

Allele frequency attached by ClinVar (database versions not stated): gnomAD exomes below 0.00001.
gnomAD v4.1: 2 of 1,589,930 alleles (0.00013%); highest among the groups gnomAD compares: Non-Finnish European, 0.000086%; no homozygotes.

Submission:

PreventionGenetics, part of Exact Sciences
Classification: Uncertain significance for WDR7-related condition. Last evaluated: 2023-02-01. Review status: criteria provided, single submitter. Criteria: ACMG Guidelines, 2015. Collection method: clinical testing. Allele origin: germline.
Comment: The WDR7 c.3190+1G>A variant is predicted to disrupt the GT donor site and interfere with normal splicing. To our knowledge, this variant has not been reported in the literature or in a large population database, indicating this variant is rare. At this time, the clinical significance of this variant is uncertain due to the absence of conclusive functional and genetic evidence.

NM_015285.3(WDR7):c.3190+1G>A

Gene: WDR7 (WD repeat domain 7; plus strand). Cytogenetic location: 18q21.31.
Variant type: single nucleotide variant.
Coding change: c.3190+1G>A on transcript NM_015285.3 (MANE Select); the canonical splice donor site of the intron after coding-DNA position 3190, G replaced by A.
Molecular consequence: splice donor variant.
Genome position (GRCh38, 1-based): chr18:56,781,657, G>A. VCF-style: chr18-56781657-G-A. GRCh37 (hg19) VCF-style: chr18-54448888-G-A.
Other names: c.3091+1G>A (NM_052834.3, NM_001382485.1); c.3190+1G>A (NM_001382487.1).
Identifiers: ClinVar variation 2629149 (VCV002629149.1), dbSNP rs756108446, ClinGen allele CA402706591.